The following is an entry in ClinVar:

ClinVar aggregate classification (germline): Uncertain significance (1 of 4 stars; one submission).

Conditions:
Inborn genetic diseases. Identifiers: MedGen C0950123, MeSH D030342.

Submission:

Ambry Genetics
Classification: Uncertain significance for Inborn genetic diseases. Last evaluated: 2021-08-11. Review status: criteria provided, single submitter. Criteria: Ambry Variant Classification Scheme 2023. Collection method: clinical testing. Allele origin: germline.
Comment: The p.L241H variant (also known as c.722T>A), located in coding exon 3 of the PIK3CA gene, results from a T to A substitution at nucleotide position 722. The leucine at codon 241 is replaced by histidine, an amino acid with similar properties. This amino acid position is conserved. In addition, this alteration is predicted to be tolerated by in silico analysis. Since supporting evidence is limited at this time, the clinical significance of this alteration remains unclear.

NM_006218.4(PIK3CA):c.722T>A (p.Leu241His)

Gene: PIK3CA (phosphatidylinositol-4,5-bisphosphate 3-kinase catalytic subunit alpha; plus strand). Cytogenetic location: 3q26.32.
Variant type: single nucleotide variant.
Coding change: c.722T>A on transcript NM_006218.4 (MANE Select); coding-DNA position 722, T replaced by A.
Protein change: p.Leu241His; replaces leucine 241 with histidine.
Molecular consequence: missense variant.
Genome position (GRCh38, 1-based): chr3:179,201,449, T>A. VCF-style: chr3-179201449-T-A. GRCh37 (hg19) VCF-style: chr3-178919237-T-A.
Other names: short protein forms L241H.
Identifiers: ClinVar variation 1757815 (VCV001757815.2), dbSNP rs2473894263, ClinGen allele CA355277538.
Genomic context (GRCh38, chr3:179,201,449, plus strand): 5'-TTGCTGAAGCAATCAGGAAAAAAACTCGAAGTATGTTGCTATCCTCTGAACAACTAAAAC[T>A]CTGTGTTTTAGAATATCAGGGCAAGTATATTTTAAAAGTGTGTGGATGTGATGAATACTT-3'
Protein context (NP_006209.2, residues 231-251): SMLLSSEQLK[Leu241His]CVLEYQGKYI